The following is an entry in ClinVar:

ClinVar aggregate classification (germline): Uncertain significance (1 of 4 stars; one submission).

Conditions:
Neuronal ceroid lipofuscinosis. Also called: Neuronal Ceroid Lipofuscinoses. Identifiers: Orphanet 216, Orphanet 79263, MedGen C0027877, MONDO:0016295. Disease mechanism: loss of function.

gnomAD v4.1: 1 of 1,614,062 alleles (0.000062%); highest among the groups gnomAD compares: Admixed American, 0.0017%; no homozygotes.

Submission:

Labcorp Genetics (formerly Invitae), Labcorp
Classification: Uncertain significance for Neuronal ceroid lipofuscinosis. Last evaluated: 2022-06-23. Review status: criteria provided, single submitter. Criteria: Invitae Variant Classification Sherloc (09022015). Collection method: clinical testing. Allele origin: germline.
Comment: In summary, the available evidence is currently insufficient to determine the role of this variant in disease. Therefore, it has been classified as a Variant of Uncertain Significance. This sequence change replaces threonine, which is neutral and polar, with arginine, which is basic and polar, at codon 170 of the CLN8 protein (p.Thr170Arg). The frequency data for this variant in the population databases is considered unreliable, as metrics indicate poor data quality at this position in the gnomAD database. This missense change has been observed in individual(s) with neuronal ceroid lipofuscinosis (PMID: 24767253). Advanced modeling of protein sequence and biophysical properties (such as structural, functional, and spatial information, amino acid conservation, physicochemical variation, residue mobility, and thermodynamic stability) performed at Invitae indicates that this missense variant is expected to disrupt CLN8 protein function.

Literature cited by the submitters: PubMed 24767253.

NM_018941.4(CLN8):c.509C>G (p.Thr170Arg)

Gene: CLN8 (CLN8 transmembrane ER and ERGIC protein; plus strand). Cytogenetic location: 8p23.3.
Variant type: single nucleotide variant.
Coding change: c.509C>G on transcript NM_018941.4 (MANE Select); coding-DNA position 509, C replaced by G.
Protein change: p.Thr170Arg; replaces threonine 170 with arginine.
Molecular consequence: missense variant.
Genome position (GRCh38, 1-based): chr8:1,771,563, C>G. VCF-style: chr8-1771563-C-G. GRCh37 (hg19) VCF-style: chr8-1719729-C-G.
Other names: short protein forms T170R.
Identifiers: ClinVar variation 2136636 (VCV002136636.3), dbSNP rs188259026, ClinGen allele CA369953713.